The following is an entry in ClinVar:

ClinVar aggregate classification (germline): Uncertain significance (1 of 4 stars; one submission).

Conditions:
RASopathy. Also called: rasopathies; Noonan spectrum disorder. Identifiers: Orphanet 536391, MedGen C5555857, MONDO:0021060.

Submission:

Labcorp Genetics (formerly Invitae), Labcorp
Classification: Uncertain significance for RASopathy. Last evaluated: 2023-04-07. Review status: criteria provided, single submitter. Criteria: Invitae Variant Classification Sherloc (09022015). Collection method: clinical testing. Allele origin: germline.
Comment: In summary, the available evidence is currently insufficient to determine the role of this variant in disease. Therefore, it has been classified as a Variant of Uncertain Significance. Advanced modeling of protein sequence and biophysical properties (such as structural, functional, and spatial information, amino acid conservation, physicochemical variation, residue mobility, and thermodynamic stability) has been performed at Invitae for this missense variant, however the output from this modeling did not meet the statistical confidence thresholds required to predict the impact of this variant on SOS1 protein function. This variant has not been reported in the literature in individuals affected with SOS1-related conditions. This variant is not present in population databases (gnomAD no frequency). This sequence change replaces lysine, which is basic and polar, with threonine, which is neutral and polar, at codon 389 of the SOS1 protein (p.Lys389Thr).

NM_005633.4(SOS1):c.1166A>C (p.Lys389Thr)

Gene: SOS1 (SOS Ras/Rac guanine nucleotide exchange factor 1; minus strand). Cytogenetic location: 2p22.1.
Variant type: single nucleotide variant.
Coding change: c.1166A>C on transcript NM_005633.4 (MANE Select); coding-DNA position 1166, A replaced by C.
Protein change: p.Lys389Thr; replaces lysine 389 with threonine.
Molecular consequence: missense variant.
Genome position (GRCh38, 1-based): chr2:39,024,046, T>G on the plus strand (A>C on the coding strand, the complement: SOS1 is on the minus strand). VCF-style: chr2-39024046-T-G. GRCh37 (hg19) VCF-style: chr2-39251187-T-G.
Other names: c.1145A>C, p.Lys382Thr (NM_001382394.1); c.1166A>C, p.Lys389Thr (NM_001382395.1); short protein forms K382T, K389T.
Identifiers: ClinVar variation 2853242 (VCV002853242.3), dbSNP rs2529042691, ClinGen allele CA346366816.